The following is an entry in ClinVar:

NM_001042492.3(NF1):c.2376del (p.Asn793fs)

Gene: NF1 (neurofibromin 1; plus strand). Cytogenetic location: 17q11.2.
Variant type: Deletion.
Coding change: c.2376del on transcript NM_001042492.3 (MANE Select); coding-DNA position 2376, one base deleted (T; older notation c.2376delT).
Protein change: p.Asn793fs; shifts the reading frame from asparagine 793.
Molecular consequence: frameshift variant.
Genome position (GRCh38, 1-based): chr17:31,227,573, T deleted; the last of 2 consecutive T bases (chr17:31,227,572-31,227,573); deleting either gives the same sequence. VCF-style (leftmost placement, unchanged base first): chr17-31227571-CT-C. GRCh37 (hg19) VCF-style: chr17-29554589-CT-C.
Other names: c.2376delT, p.Asn793Thrfs (NM_000267.4); short protein forms N793fs.
Identifiers: ClinVar variation 2736526 (VCV002736526.3), dbSNP rs2508171359, ClinGen allele CA658761075.

ClinVar aggregate classification (germline): Pathogenic (1 of 4 stars; one submission).

Conditions:
Neurofibromatosis, type 1 (NF1). Also called: Neurofibromatosis, type I; Peripheral type neurofibromatosis; VON RECKLINGHAUSEN DISEASE; NEUROFIBROMATOSIS, TYPE I, SOMATIC. Identifiers: Orphanet 636, MedGen C0027831, MONDO:0018975, OMIM 162200. Disease mechanism: loss of function.

Submission:

Labcorp Genetics (formerly Invitae), Labcorp
Classification: Pathogenic for Neurofibromatosis, type 1. Last evaluated: 2023-01-16. Review status: criteria provided, single submitter. Criteria: Invitae Variant Classification Sherloc (09022015). Collection method: clinical testing. Allele origin: germline.
Comment: This sequence change creates a premature translational stop signal (p.Asn793Thrfs*28) in the NF1 gene. It is expected to result in an absent or disrupted protein product. Loss-of-function variants in NF1 are known to be pathogenic (PMID: 10712197, 23913538). For these reasons, this variant has been classified as Pathogenic. This premature translational stop signal has been observed in individual(s) with clinical features of neurofibromatosis, type 1 (PMID: 23913538). This variant is not present in population databases (gnomAD no frequency).

Literature cited by the submitters: PubMed 10712197; PubMed 23913538.